The following is an entry in ClinVar:

NM_000540.3(RYR1):c.85A>G (p.Lys29Glu)

Gene: RYR1 (ryanodine receptor 1; plus strand). Cytogenetic location: 19q13.2.
Variant type: single nucleotide variant.
Coding change: c.85A>G on transcript NM_000540.3 (MANE Select); coding-DNA position 85, A replaced by G.
Protein change: p.Lys29Glu; replaces lysine 29 with glutamic acid.
Molecular consequence: missense variant.
Genome position (GRCh38, 1-based): chr19:38,440,784, A>G. VCF-style: chr19-38440784-A-G. GRCh37 (hg19) VCF-style: chr19-38931424-A-G.
Other names: c.85A>G, p.Lys29Glu (NM_001042723.2); short protein forms K29E.
Identifiers: ClinVar variation 1016809 (VCV001016809.8), dbSNP rs1240489600, ClinGen allele CA405671622.
Genomic context (GRCh38, chr19:38,440,784, plus strand): 5'-CGCTGCCCCTCGGTTCCGCAGGACGATGAGGTGGTCCTGCAGTGCAGCGCTACCGTGCTC[A>G]AGGAGCAGCTCAAGCTCTGCCTGGCCGCCGAGGGCTTCGGCAACCGCCTGTGCTTCCTGG-3'
Protein context (NP_000531.2, residues 19-39): VVLQCSATVL[Lys29Glu]EQLKLCLAAE

ClinVar aggregate classification (germline): Uncertain significance. Review status: criteria provided, multiple submitters, no conflicts (2 of 4 stars). 2 submissions from 2 submitters: Uncertain significance (2). Last evaluated 2025-07-15.

Conditions:
RYR1-related disorder. Also called: RYR1-related disorders; RYR1-related condition. Identifiers: MedGen CN239331.
Malignant hyperthermia, susceptibility to, 1 (MHS1). Also called: Malignant hyperthermia suceptibility 1; RYR1-Related Malignant Hyperthermia Susceptibility; Anesthesia related hyperthermia; Malignant hyperpyrexia; Fulminating hyperpyrexia; Pharmacogenic myopathy. Identifiers: Orphanet 423, MedGen C2930980, MONDO:0007783, OMIM 145600.

Allele frequency attached by ClinVar (database versions not stated): gnomAD 0.00001.

Submissions (2):

Color Diagnostics, LLC DBA Color Health
Classification: Uncertain significance for Malignant hyperthermia, susceptibility to, 1. Last evaluated: 2025-07-15. Review status: criteria provided, single submitter. Criteria: ACMG Guidelines, 2015. Collection method: clinical testing. Allele origin: germline.
Comment: This missense variant replaces lysine with glutamic acid at codon 29 of the RYR1 protein. Computational prediction suggests that this variant may have deleterious impact on protein structure and function. To our knowledge, functional studies have not been reported for this variant. This variant has not been reported in individuals affected with RYR1-related disorders in the literature. This variant has been identified in 1/31370 chromosomes in the general population by the Genome Aggregation Database (gnomAD). The available evidence is insufficient to determine the role of this variant in disease conclusively. Therefore, this variant is classified as a Variant of Uncertain Significance.

Labcorp Genetics (formerly Invitae), Labcorp
Classification: Uncertain significance for RYR1-related disorder. Last evaluated: 2018-04-24. Review status: criteria provided, single submitter. Criteria: Invitae Variant Classification Sherloc (09022015). Collection method: clinical testing. Allele origin: germline.
Comment: In summary, the available evidence is currently insufficient to determine the role of this variant in disease. Therefore, it has been classified as a Variant of Uncertain Significance. This missense change is located in a region of the RYR1 protein where a significant number of previously reported RYR1 missense mutations are found (PMID: 16084090). These observations suggest that a previously unreported missense substitution within this region may affect protein function, but experiments have not been done to test this possibility. Algorithms developed to predict the effect of missense changes on protein structure and function do not agree on the potential impact of this missense change (SIFT: "Deleterious"; PolyPhen-2: "Possibly Damaging"; Align-GVGD: "Class C0"). This variant has not been reported in the literature in individuals with RYR1-related disease. This variant is not present in population databases (ExAC no frequency). This sequence change replaces lysine with glutamic acid at codon 29 of the RYR1 protein (p.Lys29Glu). The lysine residue is moderately conserved and there is a small physicochemical difference between lysine and glutamic acid.

Literature cited by the submitters: PubMed 16084090 (cited by Labcorp Genetics (formerly Invitae), Labcorp).